The following is an entry in ClinVar:

NM_001160372.4(TRAPPC9):c.2587T>A (p.Ser863Thr)

Gene: TRAPPC9 (trafficking protein particle complex subunit 9; minus strand). Cytogenetic location: 8q24.3.
Variant type: single nucleotide variant.
Coding change: c.2587T>A on transcript NM_001160372.4 (MANE Select); coding-DNA position 2587, T replaced by A.
Protein change: p.Ser863Thr; replaces serine 863 with threonine.
Molecular consequence: missense variant. On other transcripts: non-coding transcript variant (1).
Genome position (GRCh38, 1-based): chr8:140,024,049, A>T on the plus strand (T>A on the coding strand, the complement: TRAPPC9 is on the minus strand). VCF-style: chr8-140024049-A-T. GRCh37 (hg19) VCF-style: chr8-141034146-A-T.
Other names: c.2560T>A, p.Ser854Thr (NM_001321646.2); c.2608T>A, p.Ser870Thr (NM_001374682.1); c.2587T>A, p.Ser863Thr (NM_001374683.1, NM_031466.8); c.2443T>A, p.Ser815Thr (NM_001374684.1); short protein forms S815T, S870T, S854T, S863T.
Identifiers: ClinVar variation 1473425 (VCV001473425.8), dbSNP rs2131923163, ClinGen allele CA372735766.

ClinVar aggregate classification (germline): Uncertain significance (1 of 4 stars; one submission).

Submission:

Labcorp Genetics (formerly Invitae), Labcorp
Classification: Uncertain significance. Last evaluated: 2021-12-02. Review status: criteria provided, single submitter. Criteria: Invitae Variant Classification Sherloc (09022015). Collection method: clinical testing. Allele origin: germline.
Comment: In summary, the available evidence is currently insufficient to determine the role of this variant in disease. Therefore, it has been classified as a Variant of Uncertain Significance. Algorithms developed to predict the effect of missense changes on protein structure and function are either unavailable or do not agree on the potential impact of this missense change (SIFT: "Not Available"; PolyPhen-2: "Probably Damaging"; Align-GVGD: "Not Available"). This variant has not been reported in the literature in individuals affected with TRAPPC9-related conditions. This variant is not present in population databases (gnomAD no frequency). This sequence change replaces serine, which is neutral and polar, with threonine, which is neutral and polar, at codon 961 of the TRAPPC9 protein (p.Ser961Thr).